The following is an entry in ClinVar:

ClinVar aggregate classification (germline): Uncertain significance (1 of 4 stars; one submission).

Conditions:
Kleefstra syndrome 1 (KLEFS1). Identifiers: Orphanet 261494, MedGen C0795833, MONDO:0027407, OMIM 610253.

Submission:

Labcorp Genetics (formerly Invitae), Labcorp
Classification: Uncertain significance for Kleefstra syndrome 1. Last evaluated: 2024-11-16. Review status: criteria provided, single submitter. Criteria: Invitae Variant Classification Sherloc (09022015). Collection method: clinical testing. Allele origin: germline.
Comment: This sequence change affects codon 549 of the EHMT1 mRNA. It is a 'silent' change, meaning that it does not change the encoded amino acid sequence of the EHMT1 protein. It affects a nucleotide within the consensus splice site. This variant is not present in population databases (gnomAD no frequency). This variant has not been reported in the literature in individuals affected with EHMT1-related conditions. Algorithms developed to predict the effect of sequence changes on RNA splicing suggest that this variant is not likely to affect RNA splicing. In summary, the available evidence is currently insufficient to determine the role of this variant in disease. Therefore, it has been classified as a Variant of Uncertain Significance.

NM_024757.5(EHMT1):c.1647A>G (p.Glu549=)

Gene: EHMT1 (euchromatic histone lysine methyltransferase 1; plus strand). Cytogenetic location: 9q34.3.
Variant type: single nucleotide variant.
Coding change: c.1647A>G on transcript NM_024757.5 (MANE Select); coding-DNA position 1647, A replaced by G.
Protein change: p.Glu549=; no amino-acid change (glutamic acid 549 retained).
Molecular consequence: synonymous variant.
Genome position (GRCh38, 1-based): chr9:137,762,820, A>G. VCF-style: chr9-137762820-A-G. GRCh37 (hg19) VCF-style: chr9-140657272-A-G.
Other names: c.1647A>G, p.Glu549= (NM_001145527.2, NM_001354611.2); c.1554A>G, p.Glu518= (NM_001354259.2, NM_001354612.2); c.1626A>G, p.Glu542= (NM_001354263.2).
Identifiers: ClinVar variation 3725356 (VCV003725356.2).
Genomic context (GRCh38, chr9:137,762,820, plus strand): 5'-TCGAGAGATCACCACACTGGCCAACAACCAGTGCATGGCTACAGAGAGCGTGGACCATGA[A>G]GTAAGCACGTTTGTTTTCATTTAAAGCAGCCACGAGGAGTGAGTGAGAAAGCCCAGCCCA-3'
Protein context (NP_079033.4, residues 539-559): QCMATESVDH[Glu549=]LGRCTNSVVK